The following is an entry in ClinVar:

ClinVar aggregate classification (germline): Uncertain significance (1 of 4 stars; one submission).

Conditions:
Developmental and epileptic encephalopathy 94 (DEE94). Also called: CHD2-Related Neurodevelopmental Disorders; Epileptic encephalopathy, childhood-onset. Identifiers: Orphanet 1942, Orphanet 2382, MedGen C3809278, MONDO:0014150, OMIM 615369.

Allele frequency attached by ClinVar (database versions not stated): gnomAD exomes below 0.00001; ExAC 0.00001; gnomAD 0.00001; TOPMed 0.00002; 1000 Genomes Project 30x 0.00016; 1000 Genomes Project 0.00020.

Submission:

Labcorp Genetics (formerly Invitae), Labcorp
Classification: Uncertain significance for Developmental and epileptic encephalopathy 94. Last evaluated: 2024-03-30. Review status: criteria provided, single submitter. Criteria: Invitae Variant Classification Sherloc (09022015). Collection method: clinical testing. Allele origin: germline.
Comment: This sequence change falls in intron 18 of the CHD2 gene. It does not directly change the encoded amino acid sequence of the CHD2 protein. It affects a nucleotide within the consensus splice site. This variant is present in population databases (rs558236184, gnomAD 0.007%). This variant has not been reported in the literature in individuals affected with CHD2-related conditions. ClinVar contains an entry for this variant (Variation ID: 1349563). Variants that disrupt the consensus splice site are a relatively common cause of aberrant splicing (PMID: 17576681, 9536098). Algorithms developed to predict the effect of sequence changes on RNA splicing suggest that this variant is not likely to affect RNA splicing. In summary, the available evidence is currently insufficient to determine the role of this variant in disease. Therefore, it has been classified as a Variant of Uncertain Significance.

Literature cited by the submitters: PubMed 17576681; PubMed 9536098.

NM_001271.4(CHD2):c.2353-3C>T

Gene: CHD2 (chromodomain helicase DNA binding protein 2; plus strand). Cytogenetic location: 15q26.1.
Variant type: single nucleotide variant.
Coding change: c.2353-3C>T on transcript NM_001271.4 (MANE Select); 3 bases into the intron before coding-DNA position 2353, C replaced by T.
Molecular consequence: intron variant.
Genome position (GRCh38, 1-based): chr15:92,972,262, C>T. VCF-style: chr15-92972262-C-T. GRCh37 (hg19) VCF-style: chr15-93515492-C-T.
Identifiers: ClinVar variation 1349563 (VCV001349563.6), dbSNP rs558236184, ClinGen allele CA7747972.